The following is an entry in ClinVar:

ClinVar aggregate classification (germline): Uncertain significance. Review status: criteria provided, single submitter (1 of 4 stars). 2 submissions from 2 submitters: Uncertain significance (1). 1 of the submissions does not count toward it. Last evaluated 2024-11-08.

Conditions:
Bardet-Biedl syndrome (BBS). Identifiers: Orphanet 110, MedGen C0752166, MONDO:0015229.
TTC8-related disorder. Also called: TTC8-related condition.

Allele frequency attached by ClinVar (database versions not stated): gnomAD 0.00001 and 0.00002; gnomAD exomes 0.00002 and 0.00003; TOPMed 0.00002; ExAC 0.00004; ESP Exome Variant Server 0.00008.
gnomAD v4.1: 29 of 1,613,424 alleles (0.0018%); highest among the groups gnomAD compares: Non-Finnish European, 0.0024%; no homozygotes.

Submissions (2):

Labcorp Genetics (formerly Invitae), Labcorp
Classification: Uncertain significance for Bardet-Biedl syndrome. Last evaluated: 2024-11-08. Review status: criteria provided, single submitter. Criteria: Invitae Variant Classification Sherloc (09022015). Collection method: clinical testing. Allele origin: germline.
Comment: This sequence change falls in intron 13 of the TTC8 gene. It does not directly change the encoded amino acid sequence of the TTC8 protein. It affects a nucleotide within the consensus splice site. This variant is present in population databases (rs368072201, gnomAD 0.006%). This variant has not been reported in the literature in individuals affected with TTC8-related conditions. ClinVar contains an entry for this variant (Variation ID: 1039124). Variants that disrupt the consensus splice site are a relatively common cause of aberrant splicing (PMID: 17576681, 9536098). Algorithms developed to predict the effect of sequence changes on RNA splicing suggest that this variant is not likely to affect RNA splicing. In summary, the available evidence is currently insufficient to determine the role of this variant in disease. Therefore, it has been classified as a Variant of Uncertain Significance.

PreventionGenetics, part of Exact Sciences
Classification: Likely benign for TTC8-related condition. Last evaluated: 2023-05-03. Review status: no assertion criteria provided. Collection method: clinical testing. Allele origin: germline. Not counted in ClinVar's aggregate classification.
Comment: This variant is classified as likely benign based on ACMG/AMP sequence variant interpretation guidelines (Richards et al. 2015 PMID: 25741868, with internal and published modifications).

Literature cited by the submitters: PubMed 17576681 (cited by Labcorp Genetics (formerly Invitae), Labcorp); PubMed 9536098 (cited by Labcorp Genetics (formerly Invitae), Labcorp).

NM_144596.4(TTC8):c.1347+6T>G

Gene: TTC8 (tetratricopeptide repeat domain 8; plus strand). Cytogenetic location: 14q31.3.
Variant type: single nucleotide variant.
Coding change: c.1347+6T>G on transcript NM_144596.4 (MANE Select); 6 bases into the intron after coding-DNA position 1347, T replaced by G.
Molecular consequence: intron variant.
Genome position (GRCh38, 1-based): chr14:88,872,458, T>G. VCF-style: chr14-88872458-T-G. GRCh37 (hg19) VCF-style: chr14-89338802-T-G.
Other names: c.753+6T>G (NM_001288782.1); c.1395+6T>G (NM_001288781.1); c.1317+6T>G (NM_198309.3, NM_001366535.2); c.630+6T>G (NM_001288783.1); c.1227+6T>G (NM_198310.3, NM_001366536.2); c.1347+6T>G (NM_144596.3).
Identifiers: ClinVar variation 1039124 (VCV001039124.10), dbSNP rs368072201, ClinGen allele CA7302721.
Genomic context (GRCh38, chr14:88,872,458, plus strand): 5'-CGAGGCCTACAACAACCTGGCTGTGCTGGAGATGCGGAAGGGCCACGTTGAACAGGTCAG[T>G]GAACTGGCAGCGGCATGCTGGGCAGTCTGCTTTCTTCAGAGAAAAGCTGTCATGTGTGGT-3'